The following is an entry in ClinVar:

ClinVar aggregate classification (germline): Uncertain significance (1 of 4 stars; one submission).

Conditions:
Loeys-Dietz syndrome (LDS). Identifiers: Orphanet 60030, MedGen C2697932, MONDO:0018954.

Submission:

All of Us Research Program, National Institutes of Health
Classification: Uncertain significance for Loeys-Dietz syndrome. Last evaluated: 2023-02-15. Review status: criteria provided, single submitter. Criteria: ACMG Guidelines, 2015. Collection method: clinical testing. Allele origin: germline. Inheritance: Autosomal dominant inheritance. Observed: 1 variant allele, 1 heterozygote.
Comment: This missense variant replaces glutamine with arginine at codon 103 of the TGFBR1 protein. Computational prediction suggests that this variant may not impact protein structure and function (internally defined REVEL score threshold <= 0.5, PMID: 27666373). To our knowledge, functional studies have not been reported for this variant. This variant has not been reported in individuals affected with cardiovascular disorders in the literature. This variant has not been identified in the general population by the Genome Aggregation Database (gnomAD). The available evidence is insufficient to determine the role of this variant in disease conclusively. Therefore, this variant is classified as a Variant of Uncertain Significance.

This study involves interpretation of variants in research participants for the purpose of population health screening. Participant phenotype was not available at the time of variant classification. Additional details can be found in publication PMID: 35346344, PMCID: PMC8962531

NM_004612.4(TGFBR1):c.308A>G (p.Gln103Arg)

Gene: TGFBR1 (transforming growth factor beta receptor 1; plus strand). Cytogenetic location: 9q22.33.
Variant type: single nucleotide variant.
Coding change: c.308A>G on transcript NM_004612.4 (MANE Select); coding-DNA position 308, A replaced by G.
Protein change: p.Gln103Arg; replaces glutamine 103 with arginine.
Molecular consequence: missense variant. On other transcripts: non-coding transcript variant (4), intron variant (3).
Genome position (GRCh38, 1-based): chr9:99,129,065, A>G. VCF-style: chr9-99129065-A-G. GRCh37 (hg19) VCF-style: chr9-101891347-A-G.
Other names: c.308A>G, p.Gln103Arg (NM_001130916.3, NM_001306210.2, NM_001407416.1 and 2 more transcripts); c.101A>G, p.Gln34Arg (NM_001407418.1, NM_001407419.1, NM_001407420.1 and 12 more transcripts); c.98-3444A>G (NM_001407436.1); c.98-8794A>G (NM_001407438.1); c.98-13471A>G (NM_001407437.1); short protein forms Q103R, Q34R.
Identifiers: ClinVar variation 3075528 (VCV003075528.1), dbSNP rs2118574824, ClinGen allele CA374226328.